The following is an entry in ClinVar:

ClinVar aggregate classification (germline): Uncertain significance. Review status: criteria provided, multiple submitters, no conflicts (2 of 4 stars). 2 submissions from 2 submitters: Uncertain significance (2). Last evaluated 2026-01-05.

Conditions:
Severe combined immunodeficiency due to DCLRE1C deficiency (RS-SCID). Also called: SCID, AUTOSOMAL RECESSIVE, T CELL-NEGATIVE, B CELL-NEGATIVE, NK CELL-POSITIVE, WITH SENSITIVITY TO IONIZING RADIATION. Identifiers: Orphanet 275, MedGen C1865371, MONDO:0011225, OMIM 602450.
Inborn genetic diseases. Identifiers: MedGen C0950123, MeSH D030342.

Allele frequency attached by ClinVar (database versions not stated): gnomAD 0.00001; 1000 Genomes Project 30x 0.00016; ExAC 0.00001; 1000 Genomes Project 0.00020.
gnomAD v4.1: 6 of 1,613,902 alleles (0.00037%); highest among the groups gnomAD compares: African/African-American, 0.0067%; no homozygotes.

Submissions (2):

Labcorp Genetics (formerly Invitae), Labcorp
Classification: Uncertain significance for Athabaskan severe combined immunodeficiency. Last evaluated: 2026-01-05. Review status: criteria provided, single submitter. Criteria: Invitae Variant Classification Sherloc (09022015). Collection method: clinical testing. Allele origin: germline.
Comment: This sequence change replaces threonine, which is neutral and polar, with proline, which is neutral and non-polar, at codon 301 of the DCLRE1C protein (p.Thr301Pro). This variant is present in population databases (rs534330466, gnomAD 0.007%). This variant has not been reported in the literature in individuals affected with DCLRE1C-related conditions. ClinVar contains an entry for this variant (Variation ID: 2905254). Invitae Evidence Modeling of protein sequence and biophysical properties (such as structural, functional, and spatial information, amino acid conservation, physicochemical variation, residue mobility, and thermodynamic stability) indicates that this missense variant is not expected to disrupt DCLRE1C protein function with a negative predictive value of 80%. In summary, the available evidence is currently insufficient to determine the role of this variant in disease. Therefore, it has been classified as a Variant of Uncertain Significance.

Ambry Genetics
Classification: Uncertain significance for Inborn genetic diseases. Last evaluated: 2024-10-07. Review status: criteria provided, single submitter. Criteria: Ambry Variant Classification Scheme 2023. Collection method: clinical testing. Allele origin: germline.

NM_001033855.3(DCLRE1C):c.901A>C (p.Thr301Pro)

Gene: DCLRE1C (DNA cross-link repair 1C; minus strand). Cytogenetic location: 10p13.
Variant type: single nucleotide variant.
Coding change: c.901A>C on transcript NM_001033855.3 (MANE Select); coding-DNA position 901, A replaced by C.
Protein change: p.Thr301Pro; replaces threonine 301 with proline.
Molecular consequence: missense variant. On other transcripts: non-coding transcript variant (4).
Genome position (GRCh38, 1-based): chr10:14,928,032, T>G on the plus strand (A>C on the coding strand, the complement: DCLRE1C is on the minus strand). VCF-style: chr10-14928032-T-G. GRCh37 (hg19) VCF-style: chr10-14970031-T-G.
Other names: c.541A>C, p.Thr181Pro (NM_001033857.3, NM_001033858.3, NM_001289077.2 and 2 more transcripts); c.556A>C, p.Thr186Pro (NM_001289076.2, NM_001289078.2, NM_001350966.2 and 1 more transcripts); c.901A>C, p.Thr301Pro (NM_001350965.2); short protein forms T301P, T181P, T186P.
Identifiers: ClinVar variation 2905254 (VCV002905254.4), dbSNP rs534330466, ClinGen allele CA5416652.